The following is an entry in ClinVar:

NM_182914.3(SYNE2):c.10031A>C (p.Lys3344Thr)

Gene: SYNE2 (spectrin repeat containing nuclear envelope protein 2; plus strand). Cytogenetic location: 14q23.2.
Variant type: single nucleotide variant.
Coding change: c.10031A>C on transcript NM_182914.3 (MANE Select); coding-DNA position 10031, A replaced by C.
Protein change: p.Lys3344Thr; replaces lysine 3344 with threonine.
Molecular consequence: missense variant.
Genome position (GRCh38, 1-based): chr14:64,056,230, A>C. VCF-style: chr14-64056230-A-C. GRCh37 (hg19) VCF-style: chr14-64522948-A-C.
Other names: c.10031A>C, p.Lys3344Thr (NM_015180.6); short protein forms K3344T.
Identifiers: ClinVar variation 2862915 (VCV002862915.3), dbSNP rs2548360544, ClinGen allele CA389988282.

ClinVar aggregate classification (germline): Uncertain significance (1 of 4 stars; one submission).

Conditions:
Emery-Dreifuss muscular dystrophy 5, autosomal dominant (EDMD5). Also called: EMERY-DREIFUSS MUSCULAR DYSTROPHY 5. Identifiers: Orphanet 261, MedGen C2751805, MONDO:0013072, OMIM 612999.

Allele frequency attached by ClinVar (database versions not stated): gnomAD exomes below 0.00001.
gnomAD v4.1: 1 of 1,614,150 alleles (0.000062%); highest among the groups gnomAD compares: Admixed American, 0.0017%; no homozygotes.

Submission:

Labcorp Genetics (formerly Invitae), Labcorp
Classification: Uncertain significance for Emery-Dreifuss muscular dystrophy 5, autosomal dominant. Last evaluated: 2023-05-09. Review status: criteria provided, single submitter. Criteria: Invitae Variant Classification Sherloc (09022015). Collection method: clinical testing. Allele origin: germline.
Comment: An algorithm developed to predict the effect of missense changes on protein structure and function (PolyPhen-2) suggests that this variant is likely to be tolerated. This sequence change replaces lysine, which is basic and polar, with threonine, which is neutral and polar, at codon 3344 of the SYNE2 protein (p.Lys3344Thr). This variant is not present in population databases (gnomAD no frequency). This variant has not been reported in the literature in individuals affected with SYNE2-related conditions. In summary, the available evidence is currently insufficient to determine the role of this variant in disease. Therefore, it has been classified as a Variant of Uncertain Significance.